The following is an entry in ClinVar:

NM_001849.4(COL6A2):c.628G>A (p.Glu210Lys)

Gene: COL6A2 (collagen type VI alpha 2 chain; plus strand). Cytogenetic location: 21q22.3.
Variant type: single nucleotide variant.
Coding change: c.628G>A on transcript NM_001849.4 (MANE Select); coding-DNA position 628, G replaced by A.
Protein change: p.Glu210Lys; replaces glutamic acid 210 with lysine.
Molecular consequence: missense variant.
Genome position (GRCh38, 1-based): chr21:46,112,491, G>A. VCF-style: chr21-46112491-G-A. GRCh37 (hg19) VCF-style: chr21-47532405-G-A.
Other names: c.628G>A, p.Glu210Lys (NM_058174.3, NM_058175.3); short protein forms E210K.
Identifiers: ClinVar variation 288278 (VCV000288278.50), dbSNP rs113017484, ClinGen allele CA10071356.

ClinVar aggregate classification (germline): Conflicting classifications of pathogenicity. Review status: criteria provided, conflicting classifications (1 of 4 stars). 7 submissions from 7 submitters: Uncertain significance (3); Benign (2); Likely benign (2). Last evaluated 2025-12-01.

Conditions:
Myosclerosis. Also called: Myosclerosis, congenital; MYOPATHY, MYOSCLEROTIC; MYOSCLEROSIS, CONGENITAL, OF LOWENTHAL. Identifiers: Orphanet 289380, MedGen C1850671, MONDO:0009714, OMIM 255600.
Bethlem myopathy 1B (BTHLM1B). Identifiers: MedGen C5935580, MONDO:0958233, OMIM 620725.
Ullrich congenital muscular dystrophy 1B (UCMD1B). Identifiers: MedGen C5935582, MONDO:0958235, OMIM 620727.
Collagen 6-related myopathy. Identifiers: MedGen CN117976, MONDO:0100225.
Bethlem myopathy 1A. Also called: Bethlem myopathy 1; Bethlem Muscular Dystrophy; MYOPATHY, BENIGN CONGENITAL, WITH CONTRACTURES. Identifiers: Orphanet 610, MedGen CN029274, MONDO:0024530, OMIM 158810.

Allele frequency attached by ClinVar (database versions not stated): TOPMed 0.00020; gnomAD 0.00024; gnomAD exomes 0.00027 and 0.00040; ExAC 0.00033; ESP Exome Variant Server 0.00038.
gnomAD v4.1: 619 of 1,611,412 alleles (0.038%); highest among the groups gnomAD compares: Middle Eastern, 0.099%; no homozygotes.

Submissions (7):

Labcorp Genetics (formerly Invitae), Labcorp
Classification: Benign for Bethlem myopathy 1A. Last evaluated: 2025-12-01. Review status: criteria provided, single submitter. Criteria: Invitae Variant Classification Sherloc (09022015). Collection method: clinical testing. Allele origin: germline.

CeGaT Center for Human Genetics Tuebingen
Classification: Uncertain significance. Last evaluated: 2025-07-01. Review status: criteria provided, single submitter. Criteria: CeGaT Center For Human Genetics Tuebingen Variant Classification Criteria Version 2. Collection method: clinical testing. Allele origin: germline. Affected: yes. Observed: 2 variant alleles.
Comment: COL6A2: PM2:Supporting

Blueprint Genetics
Classification: Uncertain significance. Last evaluated: 2024-10-22. Review status: criteria provided, single submitter. Criteria: ACMG Guidelines, 2015. Collection method: clinical testing. Allele origin: germline.

Revvity Omics, Revvity
Classification: Likely benign. Last evaluated: 2024-05-16. Review status: criteria provided, single submitter. Criteria: ACMG Guidelines, 2015. Collection method: clinical testing. Allele origin: germline.

GeneDx
Classification: Likely benign. Last evaluated: 2021-03-15. Review status: criteria provided, single submitter. Criteria: GeneDx Variant Classification Process June 2021. Collection method: clinical testing. Allele origin: germline. Affected: yes.
Comment: This variant is associated with the following publications: (PMID: 30564623)

Illumina Laboratory Services, Illumina
Classification: Benign for Collagen VI-related myopathy. Last evaluated: 2018-01-13. Review status: criteria provided, single submitter. Criteria: ICSL Variant Classification Criteria 13 December 2019. Collection method: clinical testing. Allele origin: germline.
Comment: This variant was observed in the ICSL laboratory as part of a predisposition screen in an ostensibly healthy population. It had not been previously curated by ICSL or reported in the Human Gene Mutation Database (HGMD: prior to June 1st, 2018), and was therefore a candidate for classification through an automated scoring system. Utilizing variant allele frequency, disease prevalence and penetrance estimates, and inheritance mode, an automated score was calculated to assess if this variant is too frequent to cause the disease. Based on the score and internal cut-off values, a variant classified as benign is not then subjected to further curation. The score for this variant resulted in a classification of benign for this disease.

Eurofins Ntd Llc (ga)
Classification: Uncertain significance. Last evaluated: 2017-01-24. Review status: criteria provided, single submitter. Criteria: EGL Classification Definitions 2015. Collection method: clinical testing. Allele origin: germline. Observed: 2 variant alleles, 2 heterozygotes.